The following is an entry in ClinVar:

ClinVar aggregate classification (germline): Uncertain significance (1 of 4 stars; one submission).

Conditions:
Familial adenomatous polyposis 1 (FAP1). Also called: FAMILIAL ADENOMATOUS POLYPOSIS 1, ATTENUATED; POLYPOSIS, ADENOMATOUS INTESTINAL. Identifiers: MedGen C2713442, MONDO:0021056, OMIM 175100. Disease mechanism: loss of function.

Submission:

Labcorp Genetics (formerly Invitae), Labcorp
Classification: Uncertain significance for Familial adenomatous polyposis 1. Last evaluated: 2024-09-03. Review status: criteria provided, single submitter. Criteria: Invitae Variant Classification Sherloc (09022015). Collection method: clinical testing. Allele origin: germline.
Comment: This variant occurs in a non-coding region of the APC gene. It does not change the encoded amino acid sequence of the APC protein. This variant is not present in population databases (gnomAD no frequency). This variant has not been reported in the literature in individuals affected with APC-related conditions. Experimental studies and prediction algorithms are not available or were not evaluated, and the functional significance of this variant is currently unknown. In summary, the available evidence is currently insufficient to determine the role of this variant in disease. Therefore, it has been classified as a Variant of Uncertain Significance.

NM_001127511.3(APC):c.165+18C>A

Gene: APC (APC regulator of Wnt signaling pathway; plus strand). Cytogenetic location: 5q22.2.
Variant type: single nucleotide variant.
Coding change: c.165+18C>A on transcript NM_001127511.3; 18 bases into the intron after coding-DNA position 165, C replaced by A.
Molecular consequence: intron variant.
Genome position (GRCh38, 1-based): chr5:112,707,900, C>A. VCF-style: chr5-112707900-C-A. GRCh37 (hg19) VCF-style: chr5-112043597-C-A.
Other names: c.-1054+18C>A (NM_001407470.1, NM_001407472.1); c.-19+18C>A (NM_001407447.1, NM_001354895.2, NM_001407456.1 and 3 more transcripts); c.165+18C>A (NM_001407446.1, NM_001354897.2, NM_001354902.2); c.-19+251C>A (NM_001407448.1, NM_001407450.1, NM_001407457.1 and 1 more transcripts); c.-43+251C>A (NM_001407453.1).
Identifiers: ClinVar variation 3664322 (VCV003664322.2).
Genomic context (GRCh38, chr5:112,707,900, plus strand): 5'-GGGCGGCGCTCGTACTTCTGGCCACTGGGCGAGCGTCTGGCAGGTGAGTGAGGCTGCAGG[C>A]ATTGACGTCTCCTCCCGGCAAAGCTTCCTCGGCTTTGCCCCGCCGCTGCTCGGGACCCTA-3'